The following is an entry in ClinVar:

NM_000368.5(TSC1):c.2626-7_2626-4del

Gene: TSC1 (TSC complex subunit 1; minus strand). Cytogenetic location: 9q34.13.
Variant type: Deletion.
Coding change: c.2626-7_2626-4del on transcript NM_000368.5 (MANE Select); 7 bases into the intron before coding-DNA position 2626 through 4 bases into the intron before coding-DNA position 2626, 4 bases deleted (TTTT; older notation c.2626-7_2626-4delTTTT).
Molecular consequence: intron variant.
Genome position (GRCh38, 1-based): chr9:132,897,614-132,897,617, AAAA deleted on the plus strand (TTTT on the coding strand, the reverse complement: TSC1 is on the minus strand); deleting any 4 consecutive bases within chr9:132,897,614-132,897,631 gives the same sequence; the c. name uses the placement nearest the transcript's 3' end. VCF-style (leftmost placement, unchanged base first): chr9-132897613-GAAAA-G. GRCh37 (hg19) VCF-style: chr9-135773000-GAAAA-G.
Other names: c.2263-7_2263-4del (NM_001362177.2); c.2473-7_2473-4del (NM_001162427.2); c.2623-7_2623-4del (NM_001162426.2).
Identifiers: ClinVar variation 1692401 (VCV001692401.5), dbSNP rs5901000, ClinGen allele CA467813118.

ClinVar aggregate classification (germline): Conflicting classifications of pathogenicity. Review status: criteria provided, conflicting classifications (1 of 4 stars). 4 submissions from 4 submitters: Uncertain significance (1); Benign (1); Likely benign (1). 1 of the submissions does not count toward it. Last evaluated 2024-11-27.

Conditions:
Hereditary cancer-predisposing syndrome. Also called: Hereditary neoplastic syndrome; Hereditary Cancer Syndrome; Tumor predisposition; Neoplastic Syndromes, Hereditary. Identifiers: Orphanet 140162, MedGen C0027672, MeSH D009386, MONDO:0015356.
TSC1-related disorder. Also called: TSC1-related condition.
Tuberous sclerosis syndrome (TSC). Also called: Tuberous Sclerosis Complex; Tuberous sclerosis. Identifiers: Orphanet 805, MedGen C0041341, MONDO:0001734.

Submissions (4):

Blueprint Genetics
Classification: Likely benign. Last evaluated: 2024-11-27. Review status: criteria provided, single submitter. Criteria: ACMG Guidelines, 2015. Collection method: clinical testing. Allele origin: germline.

All of Us Research Program, National Institutes of Health
Classification: Uncertain significance for Tuberous sclerosis syndrome. Last evaluated: 2023-06-28. Review status: criteria provided, single submitter. Criteria: ACMG Guidelines, 2015. Collection method: clinical testing. Allele origin: germline. Inheritance: Autosomal dominant inheritance. Observed: 1 variant allele, 1 heterozygote.
Comment: This study involves interpretation of variants in research participants for the purpose of population health screening. Participant phenotype was not available at the time of variant classification. Additional details can be found in publication PMID: 35346344, PMCID: PMC8962531

Sema4
Classification: Benign for Hereditary cancer-predisposing syndrome. Last evaluated: 2020-10-07. Review status: criteria provided, single submitter. Criteria: Sema4 Curation Guidelines. Collection method: curation. Allele origin: germline.

PreventionGenetics, part of Exact Sciences
Classification: Likely benign for TSC1-related condition. Last evaluated: 2019-10-09. Review status: no assertion criteria provided. Collection method: clinical testing. Allele origin: germline. Not counted in ClinVar's aggregate classification.
Comment: This variant is classified as likely benign based on ACMG/AMP sequence variant interpretation guidelines (Richards et al. 2015 PMID: 25741868, with internal and published modifications).